The following is an entry in ClinVar:

NM_015166.4(MLC1):c.260C>T (p.Ala87Val)

Genes: MLC1 (modulator of VRAC current 1; minus strand), LOC125446261 (Sharpr-MPRA regulatory region 9327; plus strand). Cytogenetic location: 22q13.33.
Variant type: single nucleotide variant.
Coding change: c.260C>T on transcript NM_015166.4 (MANE Select); coding-DNA position 260, C replaced by T.
Protein change: p.Ala87Val; replaces alanine 87 with valine.
Molecular consequence: missense variant. On other transcripts: non-coding transcript variant (3), intron variant (1).
Genome position (GRCh38, 1-based): chr22:50,083,091, G>A on the plus strand (C>T on the coding strand, the complement: MLC1 is on the minus strand). VCF-style: chr22-50083091-G-A. GRCh37 (hg19) VCF-style: chr22-50521520-G-A.
Other names: p.Ala87Val; c.260C>T, p.Ala87Val (NM_001376472.1, NM_001376473.1, NM_001376474.1 and 9 more transcripts); c.23C>T, p.Ala8Val (NM_001376484.1); c.177+1635C>T (NM_001376480.1); short protein forms A87V, A8V.
Identifiers: ClinVar variation 2502880 (VCV002502880.2), dbSNP rs772086919, ClinGen allele CA10303641.

ClinVar aggregate classification (germline): Uncertain significance (1 of 4 stars; one submission).

Conditions:
Megalencephalic leukoencephalopathy with subcortical cysts 1 (MLC1). Also called: VACUOLATING MEGALENCEPHALIC LEUKOENCEPHALOPATHY WITH SUBCORTICAL CYSTS; LEUKOENCEPHALOPATHY WITH SWELLING AND CYSTS. Identifiers: Orphanet 2478, MedGen C5779875, MONDO:0024555, OMIM 604004.

Allele frequency attached by ClinVar (database versions not stated): ExAC 0.00001; gnomAD 0.00001.
gnomAD v4.1: 4 of 1,613,910 alleles (0.00025%); highest among the groups gnomAD compares: Non-Finnish European, 0.00034%; no homozygotes.

Submission:

Foundation for Research in Genetics and Endocrinology, FRIGE's Institute of Human Genetics
Classification: Uncertain significance for Megalencephalic leukoencephalopathy with subcortical cysts 1. Last evaluated: 2023-05-25. Review status: criteria provided, single submitter. Criteria: ACMG Guidelines, 2015. Collection method: clinical testing. Allele origin: germline. Inheritance: Autosomal recessive inheritance. Affected: yes. Observed: 1 heterozygote.
Comment: A heterozygous missense variant in exon 3 of the MLC1 gene that results in the amino acid substitution of Valine for Alanine at codon 87 (p.Ala87Val) was detected. The variant has not been reported in the 1000 genomes and topmed database but has a minor allele frequency of 0.003% and 0.0004% in the gnomAD (v3.1) and gnomdAD (v2.1) databases respectively. The in silico predictions of the variant are probably damaging by PolyPhen-2 (HumDiv), and damaging by SIFT and LRT. The reference codon is conserved across species. . In summary, the variant meets our criteria to be classified as a variant of uncertain significance.